The following is an entry in ClinVar:

NM_001371928.1(AHDC1):c.811C>G (p.Pro271Ala)

Gene: AHDC1 (AT-hook DNA binding motif containing 1; minus strand). Cytogenetic location: 1p36.11.
Variant type: single nucleotide variant.
Coding change: c.811C>G on transcript NM_001371928.1 (MANE Select); coding-DNA position 811, C replaced by G.
Protein change: p.Pro271Ala; replaces proline 271 with alanine.
Molecular consequence: missense variant.
Genome position (GRCh38, 1-based): chr1:27,551,305, G>C on the plus strand (C>G on the coding strand, the complement: AHDC1 is on the minus strand). VCF-style: chr1-27551305-G-C. GRCh37 (hg19) VCF-style: chr1-27877816-G-C.
Other names: c.811C>G (NM_001029882.2); c.811C>G, p.Pro271Ala (NM_001029882.3); short protein forms P271A.
Identifiers: ClinVar variation 445768 (VCV000445768.42), dbSNP rs200660997, ClinGen allele CA716076.

ClinVar aggregate classification (germline): Benign/Likely benign. Review status: criteria provided, multiple submitters, no conflicts (2 of 4 stars). 8 submissions from 8 submitters: Benign (4); Likely benign (4). Last evaluated 2026-02-03.

Conditions:
AHDC1-related intellectual disability - obstructive sleep apnea - mild dysmorphism syndrome. Also called: Xia-Gibbs syndrome. Identifiers: Orphanet 412069, MedGen C4014419, MONDO:0014358, OMIM 615829.

Allele frequency attached by ClinVar (database versions not stated): gnomAD 0.00281; 1000 Genomes Project 0.00319; TOPMed 0.00352; ESP Exome Variant Server 0.00382; 1000 Genomes Project 30x 0.00422.
gnomAD v4.1: 878 of 1,611,608 alleles (0.054%); highest among the groups gnomAD compares: African/African-American, 1%; 5 homozygotes.

Submissions (8):

Labcorp Genetics (formerly Invitae), Labcorp
Classification: Benign. Last evaluated: 2026-02-03. Review status: criteria provided, single submitter. Criteria: Invitae Variant Classification Sherloc (09022015). Collection method: clinical testing. Allele origin: germline.

Blueprint Genetics
Classification: Likely benign. Last evaluated: 2024-10-08. Review status: criteria provided, single submitter. Criteria: ACMG Guidelines, 2015. Collection method: clinical testing. Allele origin: germline.

CeGaT Center for Human Genetics Tuebingen
Classification: Benign. Last evaluated: 2022-12-01. Review status: criteria provided, single submitter. Criteria: CeGaT Center For Human Genetics Tuebingen Variant Classification Criteria Version 2. Collection method: clinical testing. Allele origin: germline. Affected: yes. Observed: 1 variant allele.
Comment: AHDC1: BS1, BS2

Fulgent Genetics
Classification: Likely benign for AHDC1-related intellectual disability - obstructive sleep apnea - mild dysmorphism syndrome. Last evaluated: 2022-02-15. Review status: criteria provided, single submitter. Criteria: ACMG Guidelines, 2015. Collection method: clinical testing. Allele origin: unknown.

Genome-Nilou Lab
Classification: Benign for AHDC1-related intellectual disability - obstructive sleep apnea - mild dysmorphism syndrome. Last evaluated: 2021-12-05. Review status: criteria provided, single submitter. Criteria: ACMG Guidelines, 2015. Collection method: clinical testing. Allele origin: germline. Affected: no.

GeneDx
Classification: Benign. Last evaluated: 2018-10-30. Review status: criteria provided, single submitter. Criteria: GeneDx Variant Classification Process June 2021. Collection method: clinical testing. Allele origin: germline. Affected: yes.

Center for Pediatric Genomic Medicine, Children's Mercy Hospital and Clinics
Classification: Likely benign. Last evaluated: 2017-06-15. Review status: criteria provided, single submitter. Criteria: ACMG Guidelines, 2015. Collection method: clinical testing. Allele origin: germline.

Breakthrough Genomics
Classification: Likely benign. Review status: criteria provided, single submitter. Criteria: ACMG Guidelines, 2015. Collection method: not provided. Allele origin: germline. Inheritance: Autosomal dominant inheritance. Affected: yes.